The following is an entry in ClinVar:

NM_001394998.1(TANC2):c.1446G>A (p.Val482=)

Gene: TANC2 (tetratricopeptide repeat, ankyrin repeat and coiled-coil containing 2; plus strand). Cytogenetic location: 17q23.3.
Variant type: single nucleotide variant.
Coding change: c.1446G>A on transcript NM_001394998.1 (MANE Select); coding-DNA position 1446, G replaced by A.
Protein change: p.Val482=; no amino-acid change (valine 482 retained).
Molecular consequence: synonymous variant.
Genome position (GRCh38, 1-based): chr17:63,318,961, G>A. VCF-style: chr17-63318961-G-A. GRCh37 (hg19) VCF-style: chr17-61396322-G-A.
Other names: c.1224G>A, p.Val408= (NM_001411076.1, NM_025185.4).
Identifiers: ClinVar variation 2648046 (VCV002648046.24), dbSNP rs1219859929, ClinGen allele CA501316095.

ClinVar aggregate classification (germline): Likely benign (1 of 4 stars; one submission).

Allele frequency attached by ClinVar (database versions not stated): gnomAD exomes below 0.00001; TOPMed below 0.00001; gnomAD 0.00001.
gnomAD v4.1: 3 of 1,612,584 alleles (0.00019%); highest among the groups gnomAD compares: Non-Finnish European, 0.00025%; no homozygotes.

Submission:

CeGaT Center for Human Genetics Tuebingen
Classification: Likely benign. Last evaluated: 2023-02-01. Review status: criteria provided, single submitter. Criteria: CeGaT Center For Human Genetics Tuebingen Variant Classification Criteria Version 2. Collection method: clinical testing. Allele origin: germline. Affected: yes. Observed: 1 variant allele.
Comment: TANC2: BP4, BP7